The following is an entry in ClinVar:

ClinVar aggregate classification (germline): Pathogenic. Review status: criteria provided, multiple submitters, no conflicts (2 of 4 stars). 2 submissions from 2 submitters: Pathogenic (2). Last evaluated 2025-05-01.

Conditions:
Short-rib thoracic dysplasia 6 with or without polydactyly (SRTD6). Also called: POLYDACTYLY WITH NEONATAL CHONDRODYSTROPHY, TYPE II; SHORT RIB-POLYDACTYLY SYNDROME, TYPE IIA; Majewski Syndrome; SHORT-RIB THORACIC DYSPLASIA 6 WITH POLYDACTYLY; SHORT-RIB THORACIC DYSPLASIA 6 WITHOUT POLYDACTYLY. Identifiers: MedGen C0024507, MONDO:0009894, OMIM 263520.

Submissions (2):

GeneDx
Classification: Pathogenic. Last evaluated: 2025-05-01. Review status: criteria provided, single submitter. Criteria: GeneDx Variant Classification Process June 2021. Collection method: clinical testing. Allele origin: germline. Affected: yes.
Comment: Nonsense variant predicted to result in protein truncation or nonsense mediated decay in a gene for which loss of function is a known mechanism of disease; Not observed at significant frequency in large population cohorts (gnomAD); This variant is associated with the following publications: (PMID: 35587316, 3014367)

Diagnostics Division, CENTRE FOR DNA FINGERPRINTING AND DIAGNOSTICS
Classification: Pathogenic for Short-rib thoracic dysplasia 6 with or without polydactyly. Last evaluated: 2021-02-15. Review status: criteria provided, single submitter. Criteria: ACMG Guidelines, 2015. Collection method: clinical testing. Allele origin: germline. Inheritance: Autosomal recessive inheritance. Affected: yes. Observed: 1 variant allele, 1 homozygote.

Literature cited by the submitters: PubMed 3014367 (cited by Diagnostics Division, CENTRE FOR DNA FINGERPRINTING AND DIAGNOSTICS).

NM_001199397.3(NEK1):c.3337G>T (p.Glu1113Ter)

Gene: NEK1 (NIMA related kinase 1; minus strand). Cytogenetic location: 4q33.
Variant type: single nucleotide variant.
Coding change: c.3337G>T on transcript NM_001199397.3 (MANE Select); coding-DNA position 3337, G replaced by T.
Protein change: p.Glu1113Ter; replaces glutamic acid 1113 with a stop codon.
Molecular consequence: nonsense. On other transcripts: non-coding transcript variant (1).
Genome position (GRCh38, 1-based): chr4:169,406,633, C>A on the plus strand (G>T on the coding strand, the complement: NEK1 is on the minus strand). VCF-style: chr4-169406633-C-A. GRCh37 (hg19) VCF-style: chr4-170327784-C-A.
Other names: c.3205G>T, p.Glu1069Ter (NM_001199398.3); c.3046G>T, p.Glu1016Ter (NM_001199399.3); c.3121G>T, p.Glu1041Ter (NM_001199400.3); c.3337G>T, p.Glu1113Ter (NM_001374418.1); c.3253G>T, p.Glu1085Ter (NM_001374419.1, NM_012224.4); c.3202G>T, p.Glu1068Ter (NM_001374420.1); c.2854G>T, p.Glu952Ter (NM_001374421.1); c.3253G>T (NM_012224.2); short protein forms E1016*, E1041*, E1068*, E1069*, E1085*, E1113*, E952*.
Identifiers: ClinVar variation 996748 (VCV000996748.6), dbSNP rs1732670701, ClinGen allele CA358800846.
Genomic context (GRCh38, chr4:169,406,633, plus strand): 5'-TTTACTAATGACATTATACTTACATGTCTTCAGAATCAGAAGGTCCTTCTTTAATGTTTT[C>A]ATCTTCAATTTCATCTATTTCAAGATTGTCTTGACGAACATCTCCTACGGTGGGAACATC-3'